The following is an entry in ClinVar:

NM_000264.5(PTCH1):c.1748T>G (p.Phe583Cys)

Genes: PTCH1 (patched 1; minus strand), LOC100507346 (uncharacterized LOC100507346; plus strand). Cytogenetic location: 9q22.32.
Variant type: single nucleotide variant.
Coding change: c.1748T>G on transcript NM_000264.5 (MANE Select); coding-DNA position 1748, T replaced by G.
Protein change: p.Phe583Cys; replaces phenylalanine 583 with cysteine.
Molecular consequence: missense variant. On other transcripts: non-coding transcript variant (2).
Genome position (GRCh38, 1-based): chr9:95,469,912, A>C on the plus strand (T>G on the coding strand, the complement: PTCH1 is on the minus strand). VCF-style: chr9-95469912-A-C. GRCh37 (hg19) VCF-style: chr9-98232194-A-C.
Other names: c.1550T>G, p.Phe517Cys (NM_001083602.3); c.1745T>G, p.Phe582Cys (NM_001083603.3); c.1295T>G, p.Phe432Cys (NM_001083604.3, NM_001083605.3, NM_001083606.3 and 1 more transcripts); c.1592T>G, p.Phe531Cys (NM_001354918.2); short protein forms F517C, F582C, F583C, F432C, F531C.
Identifiers: ClinVar variation 5027512 (VCV005027512.1).
Genomic context (GRCh38, chr9:95,469,912, plus strand): 5'-CGTCGATATAAATCCATGCTGAGAATTGCAGGAAAAATGAGCAGAACCATGGCAAAATTG[A>C]ACACCACTACTACCGCTGCCTGGGAGCAGAAAAAAAATTCAGAGGTCACCAACATGCCTC-3'
Protein context (NP_000255.2, residues 573-593): FSLQAAVVVV[Phe583Cys]NFAMVLLIFP

ClinVar aggregate classification (germline): Uncertain significance (1 of 4 stars; one submission).

Conditions:
Hereditary cancer-predisposing syndrome. Also called: Neoplastic Syndromes, Hereditary; Tumor predisposition; Hereditary neoplastic syndrome; Hereditary Cancer Syndrome. Identifiers: Orphanet 140162, MedGen C0027672, MeSH D009386, MONDO:0015356.

Submission:

Ambry Genetics
Classification: Uncertain significance for Hereditary cancer-predisposing syndrome. Last evaluated: 2026-07-07. Review status: criteria provided, single submitter. Criteria: Ambry Variant Classification Scheme 2023. Collection method: clinical testing. Allele origin: germline.
Comment: The p.F517C variant (also known as c.1550T>G), located in coding exon 13 of the PTCH1 gene, results from a T to G substitution at nucleotide position 1550. The phenylalanine at codon 517 is replaced by cysteine, an amino acid with highly dissimilar properties. This amino acid position is conserved. In addition, this alteration is predicted to be deleterious by in silico analysis. Based on the available evidence, the clinical significance of this variant remains unclear.